The following is an entry in ClinVar:

ClinVar aggregate classification (germline): Uncertain significance (1 of 4 stars; one submission).

Submission:

GeneDx
Classification: Uncertain significance. Last evaluated: 2022-03-16. Review status: criteria provided, single submitter. Criteria: GeneDx Variant Classification Process June 2021. Collection method: clinical testing. Allele origin: germline. Affected: yes.
Comment: Not observed at significant frequency in large population cohorts (gnomAD); In silico analysis supports that this missense variant does not alter protein structure/function; Has not been previously published as pathogenic or benign to our knowledge

NM_001318510.2(ACSL4):c.602T>G (p.Phe201Cys)

Gene: ACSL4 (acyl-CoA synthetase long chain family member 4; minus strand). Cytogenetic location: Xq23.
Variant type: single nucleotide variant.
Coding change: c.602T>G on transcript NM_001318510.2 (MANE Select); coding-DNA position 602, T replaced by G.
Protein change: p.Phe201Cys; replaces phenylalanine 201 with cysteine.
Molecular consequence: missense variant.
Genome position (GRCh38, 1-based): chrX:109,681,051, A>C on the plus strand (T>G on the coding strand, the complement: ACSL4 is on the minus strand). VCF-style: chrX-109681051-A-C. GRCh37 (hg19) VCF-style: chrX-108924280-A-C.
Other names: c.725T>G, p.Phe242Cys (NM_001318509.2, NM_022977.3); c.602T>G, p.Phe201Cys (NM_004458.3); short protein forms F201C, F242C.
Identifiers: ClinVar variation 1706238 (VCV001706238.2), dbSNP rs2521209160, ClinGen allele CA414217955.